The following is an entry in ClinVar:

NM_006204.4(PDE6C):c.160A>C (p.Thr54Pro)

Gene: PDE6C (phosphodiesterase 6C; plus strand). Cytogenetic location: 10q23.33.
Variant type: single nucleotide variant.
Coding change: c.160A>C on transcript NM_006204.4 (MANE Select); coding-DNA position 160, A replaced by C.
Protein change: p.Thr54Pro; replaces threonine 54 with proline.
Molecular consequence: missense variant.
Genome position (GRCh38, 1-based): chr10:93,612,885, A>C. VCF-style: chr10-93612885-A-C. GRCh37 (hg19) VCF-style: chr10-95372642-A-C.
Other names: short protein forms T54P.
Identifiers: ClinVar variation 1001792 (VCV001001792.9), dbSNP rs767007825, ClinGen allele CA5609767.

ClinVar aggregate classification (germline): Uncertain significance (1 of 4 stars; one submission).

Allele frequency attached by ClinVar (database versions not stated): gnomAD exomes 0.00001; ExAC 0.00002.
gnomAD v4.1: 8 of 1,614,062 alleles (0.0005%); highest among the groups gnomAD compares: South Asian, 0.0077%; no homozygotes.

Submission:

Labcorp Genetics (formerly Invitae), Labcorp
Classification: Uncertain significance. Last evaluated: 2023-11-27. Review status: criteria provided, single submitter. Criteria: Invitae Variant Classification Sherloc (09022015). Collection method: clinical testing. Allele origin: germline.
Comment: This sequence change replaces threonine, which is neutral and polar, with proline, which is neutral and non-polar, at codon 54 of the PDE6C protein (p.Thr54Pro). This variant is present in population databases (rs767007825, gnomAD 0.006%). This variant has not been reported in the literature in individuals affected with PDE6C-related conditions. ClinVar contains an entry for this variant (Variation ID: 1001792). Advanced modeling of protein sequence and biophysical properties (such as structural, functional, and spatial information, amino acid conservation, physicochemical variation, residue mobility, and thermodynamic stability) performed at Invitae indicates that this missense variant is not expected to disrupt PDE6C protein function with a negative predictive value of 80%. In summary, the available evidence is currently insufficient to determine the role of this variant in disease. Therefore, it has been classified as a Variant of Uncertain Significance.